The following is an entry in ClinVar:

NM_001122630.2(CDKN1C):c.848C>T (p.Pro283Leu)

Gene: CDKN1C (cyclin dependent kinase inhibitor 1C; minus strand). Cytogenetic location: 11p15.4.
Variant type: single nucleotide variant.
Coding change: c.848C>T on transcript NM_001122630.2 (MANE Select); coding-DNA position 848, C replaced by T.
Protein change: p.Pro283Leu; replaces proline 283 with leucine.
Molecular consequence: missense variant.
Genome position (GRCh38, 1-based): chr11:2,884,074, G>A on the plus strand (C>T on the coding strand, the complement: CDKN1C is on the minus strand). VCF-style: chr11-2884074-G-A. GRCh37 (hg19) VCF-style: chr11-2905304-G-A.
Other names: c.881C>T, p.Pro294Leu (NM_000076.2, NM_001362474.2); c.848C>T, p.Pro283Leu (NM_001122631.2); c.316C>T, p.Arg106Cys (NM_001362475.2); short protein forms P283L, P294L, R106C.
Identifiers: ClinVar variation 2811862 (VCV002811862.4), dbSNP rs2133780137, ClinGen allele CA379144907.

ClinVar aggregate classification (germline): Uncertain significance. Review status: criteria provided, multiple submitters, no conflicts (2 of 4 stars). 2 submissions from 2 submitters: Uncertain significance (2). Last evaluated 2026-04-02.

Conditions:
Beckwith-Wiedemann syndrome (BWS). Also called: EMG SYNDROME; Exomphalos macroglossia gigantism syndrome. Identifiers: Orphanet 116, MedGen C0004903, MONDO:0007534, OMIM 130650.

Allele frequency attached by ClinVar (database versions not stated): gnomAD exomes below 0.00001.
gnomAD v4.1: 1 of 1,550,644 alleles (0.000064%); highest among the groups gnomAD compares: Non-Finnish European, 0.000087%; no homozygotes.

Submissions (2):

GeneDx
Classification: Uncertain significance. Last evaluated: 2026-04-02. Review status: criteria provided, single submitter. Criteria: GeneDx Variant Classification Process June 2021. Collection method: clinical testing. Allele origin: germline.
Comment: Not observed at significant frequency in large population cohorts (gnomAD); In silico analysis suggests that this missense variant does not alter protein structure/function; Has not been previously published as pathogenic or benign to our knowledge

Labcorp Genetics (formerly Invitae), Labcorp
Classification: Uncertain significance for Beckwith-Wiedemann syndrome. Last evaluated: 2025-05-26. Review status: criteria provided, single submitter. Criteria: Invitae Variant Classification Sherloc (09022015). Collection method: clinical testing. Allele origin: germline.
Comment: This sequence change replaces proline, which is neutral and non-polar, with leucine, which is neutral and non-polar, at codon 294 of the CDKN1C protein (p.Pro294Leu). This variant is not present in population databases (gnomAD no frequency). This variant has not been reported in the literature in individuals affected with CDKN1C-related conditions. ClinVar contains an entry for this variant (Variation ID: 2811862). Invitae Evidence Modeling of protein sequence and biophysical properties (such as structural, functional, and spatial information, amino acid conservation, physicochemical variation, residue mobility, and thermodynamic stability) indicates that this missense variant is not expected to disrupt CDKN1C protein function with a negative predictive value of 80%. In summary, the available evidence is currently insufficient to determine the role of this variant in disease. Therefore, it has been classified as a Variant of Uncertain Significance.